The following is an entry in ClinVar:

NM_144687.4(NLRP12):c.2960G>C (p.Cys987Ser)

Gene: NLRP12 (NLR family pyrin domain containing 12; minus strand). Cytogenetic location: 19q13.42.
Variant type: single nucleotide variant.
Coding change: c.2960G>C on transcript NM_144687.4 (MANE Select); coding-DNA position 2960, G replaced by C.
Protein change: p.Cys987Ser; replaces cysteine 987 with serine.
Molecular consequence: missense variant.
Genome position (GRCh38, 1-based): chr19:53,795,997, C>G on the plus strand (G>C on the coding strand, the complement: NLRP12 is on the minus strand). VCF-style: chr19-53795997-C-G. GRCh37 (hg19) VCF-style: chr19-54299251-C-G.
Other names: c.2963G>C, p.Cys988Ser (NM_001277126.2); c.2789G>C, p.Cys930Ser (NM_001277129.1); short protein forms C930S, C987S, C988S.
Identifiers: ClinVar variation 2914215 (VCV002914215.3), dbSNP rs369502542, ClinGen allele CA9638817.

ClinVar aggregate classification (germline): Uncertain significance (1 of 4 stars; one submission).

Conditions:
Familial cold autoinflammatory syndrome 2 (FCAS2). Identifiers: Orphanet 247868, MedGen C2673198, MONDO:0012724, OMIM 611762.

gnomAD v4.1: 16 of 1,614,026 alleles (0.00099%); highest among the groups gnomAD compares: Admixed American, 0.023%; no homozygotes.

Submission:

Labcorp Genetics (formerly Invitae), Labcorp
Classification: Uncertain significance for Familial cold autoinflammatory syndrome 2. Last evaluated: 2025-11-15. Review status: criteria provided, single submitter. Criteria: Invitae Variant Classification Sherloc (09022015). Collection method: clinical testing. Allele origin: germline.
Comment: This sequence change replaces cysteine, which is neutral and slightly polar, with serine, which is neutral and polar, at codon 987 of the NLRP12 protein (p.Cys987Ser). This variant is present in population databases (rs369502542, gnomAD 0.02%). This variant has not been reported in the literature in individuals affected with NLRP12-related conditions. ClinVar contains an entry for this variant (Variation ID: 2914215). An algorithm developed to predict the effect of missense changes on protein structure and function outputs the following: PolyPhen-2: "Not Available". The serine amino acid residue is found in multiple mammalian species, which suggests that this missense change does not adversely affect protein function. In summary, the available evidence is currently insufficient to determine the role of this variant in disease. Therefore, it has been classified as a Variant of Uncertain Significance.